The following is an entry in ClinVar:

ClinVar aggregate classification (germline): Uncertain significance (1 of 4 stars; one submission).

Conditions:
Hypertrophic cardiomyopathy 10. Also called: MYL2-Related Familial Hypertrophic Cardiomyopathy; CARDIOMYOPATHY, HYPERTROPHIC, MID-LEFT VENTRICULAR CHAMBER TYPE, 2. Identifiers: MedGen C1834460, MONDO:0012112, OMIM 608758.

Submission:

Labcorp Genetics (formerly Invitae), Labcorp
Classification: Uncertain significance for Hypertrophic cardiomyopathy 10. Last evaluated: 2024-01-31. Review status: criteria provided, single submitter. Criteria: Invitae Variant Classification Sherloc (09022015). Collection method: clinical testing. Allele origin: germline.
Comment: This sequence change replaces leucine, which is neutral and non-polar, with phenylalanine, which is neutral and non-polar, at codon 150 of the MYL2 protein (p.Leu150Phe). This variant is not present in population databases (gnomAD no frequency). This missense change has been observed in individual(s) with hypertrophic cardiomyopathy (Invitae). An algorithm developed to predict the effect of missense changes on protein structure and function (PolyPhen-2) suggests that this variant is likely to be disruptive. In summary, the available evidence is currently insufficient to determine the role of this variant in disease. Therefore, it has been classified as a Variant of Uncertain Significance.

NM_000432.4(MYL2):c.450G>T (p.Leu150Phe)

Gene: MYL2 (myosin light chain 2; minus strand). Cytogenetic location: 12q24.11.
Variant type: single nucleotide variant.
Coding change: c.450G>T on transcript NM_000432.4 (MANE Select); coding-DNA position 450, G replaced by T.
Protein change: p.Leu150Phe; replaces leucine 150 with phenylalanine.
Molecular consequence: missense variant.
Genome position (GRCh38, 1-based): chr12:110,911,128, C>A on the plus strand (G>T on the coding strand, the complement: MYL2 is on the minus strand). VCF-style: chr12-110911128-C-A. GRCh37 (hg19) VCF-style: chr12-111348932-C-A.
Other names: c.408G>T, p.Leu136Phe (NM_001406745.1); c.393G>T, p.Leu131Phe (NM_001406916.1); short protein forms L136F, L150F, L131F.
Identifiers: ClinVar variation 3637591 (VCV003637591.2).